The following is an entry in ClinVar:

NM_032043.3(BRIP1):c.2285G>C (p.Arg762Pro)

Gene: BRIP1 (BRCA1 interacting DNA helicase 1; minus strand). Cytogenetic location: 17q23.2.
Variant type: single nucleotide variant.
Coding change: c.2285G>C on transcript NM_032043.3 (MANE Select); coding-DNA position 2285, G replaced by C.
Protein change: p.Arg762Pro; replaces arginine 762 with proline.
Molecular consequence: missense variant.
Genome position (GRCh38, 1-based): chr17:61,743,107, C>G on the plus strand (G>C on the coding strand, the complement: BRIP1 is on the minus strand). VCF-style: chr17-61743107-C-G. GRCh37 (hg19) VCF-style: chr17-59820468-C-G.
Other names: short protein forms R762P.
Identifiers: ClinVar variation 481672 (VCV000481672.5), dbSNP rs200960251, ClinGen allele CA400482713.

ClinVar aggregate classification (germline): Uncertain significance (1 of 4 stars; one submission).

Conditions:
Hereditary cancer-predisposing syndrome. Also called: Neoplastic Syndromes, Hereditary; Tumor predisposition; Hereditary Cancer Syndrome; Hereditary neoplastic syndrome. Identifiers: Orphanet 140162, MedGen C0027672, MeSH D009386, MONDO:0015356.

gnomAD v4.1: 2 of 1,613,938 alleles (0.00012%); highest among the groups gnomAD compares: South Asian, 0.0011%; no homozygotes.

Submission:

Ambry Genetics
Classification: Uncertain significance for Hereditary cancer-predisposing syndrome. Last evaluated: 2017-09-11. Review status: criteria provided, single submitter. Criteria: Ambry Variant Classification Scheme 2023. Collection method: clinical testing. Allele origin: germline.
Comment: The p.R762P variant (also known as c.2285G>C), located in coding exon 15 of the BRIP1 gene, results from a G to C substitution at nucleotide position 2285. The arginine at codon 762 is replaced by proline, an amino acid with dissimilar properties. This amino acid position is highly conserved in available vertebrate species. In addition, this alteration is predicted to be deleterious by in silico analysis. Since supporting evidence is limited at this time, the clinical significance of this alteration remains unclear.